The following is an entry in ClinVar:

NM_001079.4(ZAP70):c.1176G>C (p.Gln392His)

Gene: ZAP70 (zeta chain of T cell receptor associated protein kinase 70; plus strand). Cytogenetic location: 2q11.2.
Variant type: single nucleotide variant.
Coding change: c.1176G>C on transcript NM_001079.4 (MANE Select); coding-DNA position 1176, G replaced by C.
Protein change: p.Gln392His; replaces glutamine 392 with histidine.
Molecular consequence: missense variant.
Genome position (GRCh38, 1-based): chr2:97,735,343, G>C. VCF-style: chr2-97735343-G-C. GRCh37 (hg19) VCF-style: chr2-98351806-G-C.
Other names: c.1176G>C, p.Gln392His (NM_001378594.1); c.255G>C, p.Gln85His (NM_207519.2); short protein forms Q392H, Q85H.
Identifiers: ClinVar variation 2063135 (VCV002063135.4), dbSNP rs146721343, ClinGen allele CA52561566.

ClinVar aggregate classification (germline): Uncertain significance (1 of 4 stars; one submission).

Conditions:
Combined immunodeficiency due to ZAP70 deficiency (IMD48). Also called: Immunodeficiency 48; ZAP70 Deficiency. Identifiers: Orphanet 911, MedGen C2931299, MONDO:0010023, OMIM 269840.

Allele frequency attached by ClinVar (database versions not stated): gnomAD exomes below 0.00001; ESP Exome Variant Server 0.00008.
gnomAD v4.1: 2 of 1,614,178 alleles (0.00012%); highest among the groups gnomAD compares: Non-Finnish European, 0.00017%; no homozygotes.

Submission:

Labcorp Genetics (formerly Invitae), Labcorp
Classification: Uncertain significance for Combined immunodeficiency due to ZAP70 deficiency. Last evaluated: 2023-11-01. Review status: criteria provided, single submitter. Criteria: Invitae Variant Classification Sherloc (09022015). Collection method: clinical testing. Allele origin: germline.
Comment: This sequence change replaces glutamine, which is neutral and polar, with histidine, which is basic and polar, at codon 392 of the ZAP70 protein (p.Gln392His). This variant is not present in population databases (gnomAD no frequency). This variant has not been reported in the literature in individuals affected with ZAP70-related conditions. ClinVar contains an entry for this variant (Variation ID: 2063135). An algorithm developed to predict the effect of missense changes on protein structure and function (PolyPhen-2) suggests that this variant is likely to be disruptive. In summary, the available evidence is currently insufficient to determine the role of this variant in disease. Therefore, it has been classified as a Variant of Uncertain Significance.